The following is an entry in ClinVar:

ClinVar aggregate classification (germline): Pathogenic. Review status: reviewed by expert panel (3 of 4 stars). 4 submissions from 4 submitters: Pathogenic (1). 3 of the submissions do not count toward it. Last evaluated 2017-12-15.

Conditions:
Hereditary cancer-predisposing syndrome. Also called: Hereditary neoplastic syndrome; Hereditary Cancer Syndrome; Neoplastic Syndromes, Hereditary; Tumor predisposition. Identifiers: Orphanet 140162, MedGen C0027672, MeSH D009386, MONDO:0015356.
Breast-ovarian cancer, familial, susceptibility to, 2 (BROVCA2). Also called: BRCA2 Hereditary Breast and Ovarian Cancer. Identifiers: Orphanet 145, MedGen C2675520, MONDO:0012933, OMIM 612555. Disease mechanism: loss of function.

Submissions (4):

Evidence-based Network for the Interpretation of Germline Mutant Alleles (ENIGMA)
Classification: Pathogenic for Breast-ovarian cancer, familial, susceptibility to, 2. Last evaluated: 2017-12-15. Review status: reviewed by expert panel. Criteria: ENIGMA BRCA1/2 Classification Criteria (2017-06-29). Collection method: curation. Allele origin: germline. Study: ENIGMA.
Comment: Variant allele predicted to encode a truncated non-functional protein.

Ambry Genetics
Classification: Pathogenic for Hereditary cancer-predisposing syndrome. Last evaluated: 2022-10-31. Review status: criteria provided, single submitter. Criteria: Ambry Variant Classification Scheme 2023. Collection method: clinical testing. Allele origin: germline. Not counted in ClinVar's aggregate classification.
Comment: The p.Y2543* pathogenic mutation (also known as c.7629T>A), located in coding exon 15 of the BRCA2 gene, results from a T to A substitution at nucleotide position 7629. This changes the amino acid from a tyrosine to a stop codon within coding exon 15. This variant is considered to be rare based on population cohorts in the Genome Aggregation Database (gnomAD). This alteration is expected to result in loss of function by premature protein truncation or nonsense-mediated mRNA decay. As such, this alteration is interpreted as a disease-causing mutation.

Quest Diagnostics Nichols Institute San Juan Capistrano
Classification: Pathogenic. Last evaluated: 2017-06-19. Review status: criteria provided, single submitter. Criteria: Quest Diagnostics criteria. Collection method: clinical testing. Allele origin: germline. Not counted in ClinVar's aggregate classification.

GeneDx
Classification: Pathogenic. Last evaluated: 2016-11-10. Review status: criteria provided, single submitter. Criteria: GeneDx Variant Classification (06012015). Collection method: clinical testing. Allele origin: germline. Affected: yes. Not counted in ClinVar's aggregate classification.
Comment: This variant is denoted BRCA2 c.7629T>A at the cDNA level and p.Tyr2543Ter (Y2543X) at the protein level. Using alternate nomenclature, this variant would be defined as BRCA2 7857T>A. The substitution creates a nonsense variant, which changes a Tyrosine to a premature stop codon (TAT>TAA), and is predicted to cause loss of normal protein function through either protein truncation or nonsense-mediated mRNA decay. Although this variant has not, to our knowledge, been reported in the literature, it is considered pathogenic.

NM_000059.4(BRCA2):c.7629T>A (p.Tyr2543Ter)

Gene: BRCA2 (BRCA2 DNA repair associated; plus strand). Cytogenetic location: 13q13.1.
Variant type: single nucleotide variant.
Coding change: c.7629T>A on transcript NM_000059.4 (MANE Select); coding-DNA position 7629, T replaced by A.
Protein change: p.Tyr2543Ter; replaces tyrosine 2543 with a stop codon.
Molecular consequence: nonsense.
Genome position (GRCh38, 1-based): chr13:32,357,753, T>A. VCF-style: chr13-32357753-T-A. GRCh37 (hg19) VCF-style: chr13-32931890-T-A.
Other names: short protein forms Y2543*.
Identifiers: ClinVar variation 420500 (VCV000420500.6), dbSNP rs1064794521, ClinGen allele CA16619766.